The following is an entry in ClinVar:

ClinVar aggregate classification (germline): Uncertain significance. Review status: criteria provided, multiple submitters, no conflicts (2 of 4 stars). 2 submissions from 2 submitters: Uncertain significance (2). Last evaluated 2024-12-16.

Allele frequency attached by ClinVar (database versions not stated): gnomAD exomes below 0.00001 and 0.00002; TOPMed 0.00001.
gnomAD v4.1: 5 of 1,566,350 alleles (0.00032%); highest among the groups gnomAD compares: Admixed American, 0.0019%; no homozygotes.

Submissions (2):

Ambry Genetics
Classification: Uncertain significance. Last evaluated: 2024-12-16. Review status: criteria provided, single submitter. Criteria: Ambry Variant Classification Scheme 2023. Collection method: clinical testing. Allele origin: germline.

Labcorp Genetics (formerly Invitae), Labcorp
Classification: Uncertain significance. Last evaluated: 2022-09-12. Review status: criteria provided, single submitter. Criteria: Invitae Variant Classification Sherloc (09022015). Collection method: clinical testing. Allele origin: germline.
Comment: In summary, the available evidence is currently insufficient to determine the role of this variant in disease. Therefore, it has been classified as a Variant of Uncertain Significance. Algorithms developed to predict the effect of missense changes on protein structure and function are either unavailable or do not agree on the potential impact of this missense change (SIFT: "Tolerated"; PolyPhen-2: "Probably Damaging"; Align-GVGD: "Class C0"). ClinVar contains an entry for this variant (Variation ID: 1368524). This variant has not been reported in the literature in individuals affected with TNFRSF6B-related conditions. This variant is present in population databases (no rsID available, gnomAD 0.008%). This sequence change replaces proline, which is neutral and non-polar, with arginine, which is basic and polar, at codon 134 of the TNFRSF6B protein (p.Pro134Arg).

NM_003823.4(TNFRSF6B):c.401C>G (p.Pro134Arg)

Genes: RTEL1-TNFRSF6B (RTEL1-TNFRSF6B readthrough (NMD candidate); plus strand), TNFRSF6B (TNF receptor superfamily member 6b; plus strand). Cytogenetic location: 20q13.33.
Variant type: single nucleotide variant.
Coding change: c.401C>G on transcript NM_003823.4 (MANE Select); coding-DNA position 401, C replaced by G.
Protein change: p.Pro134Arg; replaces proline 134 with arginine.
Molecular consequence: missense variant. On other transcripts: non-coding transcript variant (1).
Genome position (GRCh38, 1-based): chr20:63,697,168, C>G. VCF-style: chr20-63697168-C-G. GRCh37 (hg19) VCF-style: chr20-62328521-C-G.
Other names: c.401C>G (NM_003823.3); short protein forms P134R.
Identifiers: ClinVar variation 1368524 (VCV001368524.7), dbSNP rs889563477, ClinGen allele CA317534506.
Genomic context (GRCh38, chr20:63,697,168, plus strand): 5'-GCTGCCGCACCGGCTTCTTCGCGCACGCTGGTTTCTGCTTGGAGCACGCATCGTGTCCAC[C>G]TGGTGCCGGCGTGATTGCCCCGGGTGAGAGCTGGGCGAGGGGAGGGGCCCCCAGGAGTGG-3'
Protein context (NP_003814.1, residues 124-144): GFCLEHASCP[Pro134Arg]GAGVIAPGTP